The following is an entry in ClinVar:

ClinVar aggregate classification (germline): Benign (1 of 4 stars; one submission).

Conditions:
Familial adenomatous polyposis 1 (FAP1). Also called: POLYPOSIS, ADENOMATOUS INTESTINAL; FAMILIAL ADENOMATOUS POLYPOSIS 1, ATTENUATED. Identifiers: MedGen C2713442, MONDO:0021056, OMIM 175100. Disease mechanism: loss of function.

Submission:

Myriad Genetics, Inc.
Classification: Benign for Familial adenomatous polyposis 1. Last evaluated: 2024-03-01. Review status: criteria provided, single submitter. Criteria: Myriad Autosomal Dominant, Autosomal Recessive and X-Linked Classification Criteria (2023). Collection method: clinical testing. Allele origin: unknown.
Comment: This variant is considered benign. This variant is intronic and is not expected to impact mRNA splicing.

NM_000038.6(APC):c.1409-34_1409-11dup

Gene: APC (APC regulator of Wnt signaling pathway; plus strand). Cytogenetic location: 5q22.2.
Variant type: Duplication.
Coding change: c.1409-34_1409-11dup on transcript NM_000038.6 (MANE Select); 34 bases into the intron before coding-DNA position 1409 through 11 bases into the intron before coding-DNA position 1409, 24 bases duplicated (GATTGTCTTTTTCCTCTTGCCCTT).
Molecular consequence: intron variant.
Genome position (GRCh38, 1-based): chr5:112,827,074-112,827,097, GATTGTCTTTTTCCTCTTGCCCTT duplicated; duplicating any 24 consecutive bases within chr5:112,827,073-112,827,097 gives the same sequence; the c. name uses the placement nearest the transcript's 3' end. VCF-style (leftmost placement, unchanged base first): chr5-112827072-A-ATGATTGTCTTTTTCCTCTTGCCCT. GRCh37 (hg19) VCF-style: chr5-112162769-A-ATGATTGTCTTTTTCCTCTTGCCCT.
Other names: c.560-34_560-11dup (NM_001407470.1, NM_001354906.2); c.257-34_257-11dup (NM_001407472.1, NM_001407471.1); c.1463-34_1463-11dup (NM_001407447.1, NM_001407448.1, NM_001407449.1 and 1 more transcripts); c.1409-34_1409-11dup (NM_001354895.2, NM_001407450.1, NM_001127510.3); c.1160-34_1160-11dup (NM_001407456.1, NM_001407457.1, NM_001407455.1 and 1 more transcripts); c.1106-34_1106-11dup (NM_001407460.1, NM_001407458.1, NM_001407459.1 and 1 more transcripts); c.1379-34_1379-11dup (NM_001407452.1); c.1022-34_1022-11dup (NM_001407469.1, NM_001407467.1); and 11 more.
Identifiers: ClinVar variation 3148539 (VCV003148539.1), dbSNP rs2533190501, ClinGen allele CA2825001347.